The following is an entry in ClinVar:

ClinVar aggregate classification (germline): Likely benign (1 of 4 stars; one submission).

Conditions:
EPILEPSY, CHILDHOOD ABSENCE, SUSCEPTIBILITY TO, 2 (ECA2). Identifiers: Orphanet 64280, MedGen C1843244, OMIM 607681.

Allele frequency attached by ClinVar (database versions not stated): gnomAD 0.00360; 1000 Genomes Project 30x 0.00422; 1000 Genomes Project 0.00439; TOPMed 0.00487.

Submission:

Illumina Laboratory Services, Illumina
Classification: Likely benign for Febrile seizures, familial, 8. Last evaluated: 2018-01-13. Review status: criteria provided, single submitter. Criteria: ICSL Variant Classification Criteria 13 December 2019. Collection method: clinical testing. Allele origin: germline.
Comment: This variant was observed in the ICSL laboratory as part of a predisposition screen in an ostensibly healthy population. It had not been previously curated by ICSL or reported in the Human Gene Mutation Database (HGMD: prior to June 1st, 2018), and was therefore a candidate for classification through an automated scoring system. Utilizing variant allele frequency, disease prevalence and penetrance estimates, and inheritance mode, an automated score was calculated to assess if this variant is too frequent to cause the disease. Based on the score and internal cut-off values, a variant classified as likely benign is not then subjected to further curation. The score for this variant resulted in a classification of likely benign for this disease.

NM_198904.4(GABRG2):c.*385G>A

Gene: GABRG2 (gamma-aminobutyric acid type A receptor subunit gamma2; plus strand). Cytogenetic location: 5q34.
Variant type: single nucleotide variant.
Coding change: c.*385G>A on transcript NM_198904.4 (MANE Select); 385 bases downstream of the stop codon, G replaced by A.
Molecular consequence: 3 prime UTR variant.
Genome position (GRCh38, 1-based): chr5:162,153,753, G>A. VCF-style: chr5-162153753-G-A. GRCh37 (hg19) VCF-style: chr5-161580759-G-A.
Other names: c.*385G>A (NM_000816.3, NM_001375339.1, NM_001375341.1 and 10 more transcripts); c.*647G>A (NM_001375340.1).
Identifiers: ClinVar variation 352652 (VCV000352652.5), dbSNP rs185169107, ClinGen allele CA10621219.